The following is an entry in ClinVar:

ClinVar aggregate classification (germline): Uncertain significance (1 of 4 stars; one submission).

Allele frequency attached by ClinVar (database versions not stated): TOPMed below 0.00001; gnomAD exomes 0.00002 and 0.00004; ExAC 0.00006.
gnomAD v4.1: 31 of 1,614,136 alleles (0.0019%); highest among the groups gnomAD compares: East Asian, 0.011%; no homozygotes.

Submission:

Labcorp Genetics (formerly Invitae), Labcorp
Classification: Uncertain significance. Last evaluated: 2023-06-22. Review status: criteria provided, single submitter. Criteria: Invitae Variant Classification Sherloc (09022015). Collection method: clinical testing. Allele origin: germline.
Comment: In summary, the available evidence is currently insufficient to determine the role of this variant in disease. Therefore, it has been classified as a Variant of Uncertain Significance. Advanced modeling of protein sequence and biophysical properties (such as structural, functional, and spatial information, amino acid conservation, physicochemical variation, residue mobility, and thermodynamic stability) performed at Invitae indicates that this missense variant is not expected to disrupt NEFH protein function. ClinVar contains an entry for this variant (Variation ID: 1511240). This missense change has been observed in individual(s) with amyotrophic lateral sclerosis (PMID: 27790088). This variant is present in population databases (rs763701610, gnomAD 0.006%). This sequence change replaces arginine, which is basic and polar, with glutamine, which is neutral and polar, at codon 412 of the NEFH protein (p.Arg412Gln).

Literature cited by the submitters: PubMed 27790088.

NM_021076.4(NEFH):c.1235G>A (p.Arg412Gln)

Gene: NEFH (neurofilament heavy chain; plus strand). Cytogenetic location: 22q12.2.
Variant type: single nucleotide variant.
Coding change: c.1235G>A on transcript NM_021076.4 (MANE Select); coding-DNA position 1235, G replaced by A.
Protein change: p.Arg412Gln; replaces arginine 412 with glutamine.
Molecular consequence: missense variant.
Genome position (GRCh38, 1-based): chr22:29,488,875, G>A. VCF-style: chr22-29488875-G-A. GRCh37 (hg19) VCF-style: chr22-29884864-G-A.
Other names: short protein forms R412Q.
Identifiers: ClinVar variation 1511240 (VCV001511240.6), dbSNP rs763701610, ClinGen allele CA10174175.